The following is an entry in ClinVar:

ClinVar aggregate classification (germline): Uncertain significance. Review status: criteria provided, multiple submitters, no conflicts (2 of 4 stars). 2 submissions from 2 submitters: Uncertain significance (2). Last evaluated 2025-05-08.

Conditions:
Ataxia-telangiectasia syndrome (AT). Also called: LOUIS-BAR SYNDROME; Cerebello-oculocutaneous telangiectasia; Immunodeficiency with ataxia telangiectasia; Ataxia telangiectasia (A-T); Ataxia-telangiectasia, complementation group D; AT, COMPLEMENTATION GROUP C. Identifiers: Orphanet 100, MedGen C0004135, MONDO:0008840, OMIM 208900.
Hereditary cancer-predisposing syndrome. Also called: Tumor predisposition; Neoplastic Syndromes, Hereditary; Hereditary Cancer Syndrome; Hereditary neoplastic syndrome. Identifiers: Orphanet 140162, MedGen C0027672, MeSH D009386, MONDO:0015356.

Submissions (2):

Ambry Genetics
Classification: Uncertain significance for Hereditary cancer-predisposing syndrome. Last evaluated: 2025-05-08. Review status: criteria provided, single submitter. Criteria: Ambry Variant Classification Scheme 2023. Collection method: clinical testing. Allele origin: germline.
Comment: The p.H2538R variant (also known as c.7613A>G), located in coding exon 50 of the ATM gene, results from an A to G substitution at nucleotide position 7613. The histidine at codon 2538 is replaced by arginine, an amino acid with highly similar properties. This amino acid position is conserved. In addition, this alteration is predicted to be deleterious by in silico analysis. Based on the available evidence, the clinical significance of this variant remains unclear.

Labcorp Genetics (formerly Invitae), Labcorp
Classification: Uncertain significance for Ataxia-telangiectasia syndrome. Last evaluated: 2023-02-18. Review status: criteria provided, single submitter. Criteria: Invitae Variant Classification Sherloc (09022015). Collection method: clinical testing. Allele origin: germline.
Comment: This variant has not been reported in the literature in individuals affected with ATM-related conditions. An algorithm developed to predict the effect of missense changes on protein structure and function (PolyPhen-2) suggests that this variant is likely to be tolerated. In summary, the available evidence is currently insufficient to determine the role of this variant in disease. Therefore, it has been classified as a Variant of Uncertain Significance. This sequence change replaces histidine, which is basic and polar, with arginine, which is basic and polar, at codon 2538 of the ATM protein (p.His2538Arg). This variant is not present in population databases (gnomAD no frequency).

NM_000051.4(ATM):c.7613A>G (p.His2538Arg)

Genes: ATM (ATM serine/threonine kinase; plus strand), C11orf65 (chromosome 11 open reading frame 65; minus strand). Cytogenetic location: 11q22.3.
Variant type: single nucleotide variant.
Coding change: c.7613A>G on transcript NM_000051.4 (MANE Select); coding-DNA position 7613, A replaced by G.
Protein change: p.His2538Arg; replaces histidine 2538 with arginine.
Molecular consequence: missense variant. On other transcripts: non-coding transcript variant (1), intron variant (2).
Genome position (GRCh38, 1-based): chr11:108,331,541, A>G. VCF-style: chr11-108331541-A-G. GRCh37 (hg19) VCF-style: chr11-108202268-A-G.
Other names: c.7613A>G, p.His2538Arg (NM_001351834.2); c.641-22470T>C (NM_001330368.2); c.*38+3679T>C (NM_001351110.2); short protein forms H2538R.
Identifiers: ClinVar variation 2838720 (VCV002838720.4), dbSNP rs2547275509, ClinGen allele CA382560839.